The following is an entry in ClinVar:

NM_032043.3(BRIP1):c.911G>A (p.Gly304Glu)

Gene: BRIP1 (BRCA1 interacting DNA helicase 1; minus strand). Cytogenetic location: 17q23.2.
Variant type: single nucleotide variant.
Coding change: c.911G>A on transcript NM_032043.3 (MANE Select); coding-DNA position 911, G replaced by A.
Protein change: p.Gly304Glu; replaces glycine 304 with glutamic acid.
Molecular consequence: missense variant.
Genome position (GRCh38, 1-based): chr17:61,808,474, C>T on the plus strand (G>A on the coding strand, the complement: BRIP1 is on the minus strand). VCF-style: chr17-61808474-C-T. GRCh37 (hg19) VCF-style: chr17-59885835-C-T.
Other names: short protein forms G304E.
Identifiers: ClinVar variation 641886 (VCV000641886.11), dbSNP rs1459305482, ClinGen allele CA400484648.

ClinVar aggregate classification (germline): Uncertain significance (1 of 4 stars; one submission).

Conditions:
Familial cancer of breast. Also called: hereditary breast carcinoma; BREAST CANCER, FAMILIAL; Hereditary breast cancer. Identifiers: Orphanet 227535, MedGen C0346153, MONDO:0016419, OMIM 114480. Disease mechanism: loss of function.
Fanconi anemia complementation group J. Also called: BRIP1-Related Fanconi Anemia. Identifiers: Orphanet 84, MedGen C1836860, MONDO:0012187, OMIM 609054.

Allele frequency attached by ClinVar (database versions not stated): TOPMed below 0.00001.

Submission:

Labcorp Genetics (formerly Invitae), Labcorp
Classification: Uncertain significance for Familial cancer of breast; Fanconi anemia complementation group J. Last evaluated: 2019-06-29. Review status: criteria provided, single submitter. Criteria: Invitae Variant Classification Sherloc (09022015). Collection method: clinical testing. Allele origin: germline.
Comment: Algorithms developed to predict the effect of missense changes on protein structure and function are either unavailable or do not agree on the potential impact of this missense change (SIFT: "Deleterious"; PolyPhen-2: "Possibly Damaging"; Align-GVGD: "Class C0"). In summary, the available evidence is currently insufficient to determine the role of this variant in disease. Therefore, it has been classified as a Variant of Uncertain Significance. This variant has not been reported in the literature in individuals with BRIP1-related disease. This variant is not present in population databases (ExAC no frequency). This sequence change replaces glycine with glutamic acid at codon 304 of the BRIP1 protein (p.Gly304Glu). The glycine residue is moderately conserved and there is a moderate physicochemical difference between glycine and glutamic acid.